The following is an entry in ClinVar:

NM_004655.4(AXIN2):c.2022C>G (p.Pro674=)

Gene: AXIN2 (axin 2; minus strand). Cytogenetic location: 17q24.1.
Variant type: single nucleotide variant.
Coding change: c.2022C>G on transcript NM_004655.4 (MANE Select); coding-DNA position 2022, C replaced by G.
Protein change: p.Pro674=; no amino-acid change (proline 674 retained).
Molecular consequence: synonymous variant.
Genome position (GRCh38, 1-based): chr17:65,536,439, G>C on the plus strand (C>G on the coding strand, the complement: AXIN2 is on the minus strand). VCF-style: chr17-65536439-G-C. GRCh37 (hg19) VCF-style: chr17-63532557-G-C.
Other names: c.1827C>G, p.Pro609= (NM_001363813.1).
Identifiers: ClinVar variation 796979 (VCV000796979.14), dbSNP rs556551269, ClinGen allele CA8718426.

ClinVar aggregate classification (germline): Benign/Likely benign. Review status: criteria provided, multiple submitters, no conflicts (2 of 4 stars). 3 submissions from 3 submitters: Benign (1); Likely benign (2). Last evaluated 2025-12-31.

Conditions:
Hereditary cancer-predisposing syndrome. Also called: Neoplastic Syndromes, Hereditary; Hereditary neoplastic syndrome; Tumor predisposition; Hereditary Cancer Syndrome. Identifiers: Orphanet 140162, MedGen C0027672, MeSH D009386, MONDO:0015356.
Oligodontia-cancer predisposition syndrome. Also called: TOOTH AGENESIS-COLORECTAL CANCER SYNDROME. Identifiers: Orphanet 300576, MedGen C1837750, MONDO:0012075, OMIM 608615. Disease mechanism: loss of function.

Allele frequency attached by ClinVar (database versions not stated): gnomAD 0.00001; gnomAD exomes 0.00001; ExAC 0.00002; 1000 Genomes Project 0.00040.
gnomAD v4.1: 2 of 1,601,504 alleles (0.00012%); highest among the groups gnomAD compares: African/African-American, 0.0031%; no homozygotes.

Submissions (3):

Labcorp Genetics (formerly Invitae), Labcorp
Classification: Likely benign for Oligodontia-cancer predisposition syndrome. Last evaluated: 2025-12-31. Review status: criteria provided, single submitter. Criteria: Invitae Variant Classification Sherloc (09022015). Collection method: clinical testing. Allele origin: germline.

Myriad Genetics, Inc.
Classification: Benign for Oligodontia-cancer predisposition syndrome. Last evaluated: 2024-07-09. Review status: criteria provided, single submitter. Criteria: Myriad Autosomal Dominant, Autosomal Recessive and X-Linked Classification Criteria (2023). Collection method: clinical testing. Allele origin: unknown.
Comment: This variant is considered benign. This variant is a silent/synonymous amino acid change and it is not expected to impact splicing.

Ambry Genetics
Classification: Likely benign for Hereditary cancer-predisposing syndrome. Last evaluated: 2021-07-06. Review status: criteria provided, single submitter. Criteria: Ambry Variant Classification Scheme 2023. Collection method: clinical testing. Allele origin: germline.